The following is an entry in ClinVar:

NM_001077365.2(POMT1):c.2003+9G>A

Gene: POMT1 (protein O-mannosyltransferase 1; plus strand). Cytogenetic location: 9q34.13.
Variant type: single nucleotide variant.
Coding change: c.2003+9G>A on transcript NM_001077365.2 (MANE Select); 9 bases into the intron after coding-DNA position 2003, G replaced by A.
Molecular consequence: intron variant.
Genome position (GRCh38, 1-based): chr9:131,522,233, G>A. VCF-style: chr9-131522233-G-A. GRCh37 (hg19) VCF-style: chr9-134397620-G-A.
Other names: c.1907+9G>A (NM_001353198.2, NM_001353197.2); c.2069+9G>A (NM_001353193.2, NM_007171.4); c.2003+9G>A (NM_001136113.2); c.1841+9G>A (NM_001353194.2, NM_001077366.2); c.1652+9G>A (NM_001374691.1, NM_001353195.2, NM_001374692.1 and 2 more transcripts); c.1784+9G>A (NM_001374690.1); c.1913+9G>A (NM_001353196.2); c.1613+9G>A (NM_001374695.1); and 3 more.
Identifiers: ClinVar variation 285641 (VCV000285641.15), dbSNP rs368975092, ClinGen allele CA5293895.

ClinVar aggregate classification (germline): Conflicting classifications of pathogenicity. Review status: criteria provided, conflicting classifications (1 of 4 stars). 3 submissions from 3 submitters: Uncertain significance (1); Likely benign (2). Last evaluated 2026-01-12.

Conditions:
Walker-Warburg congenital muscular dystrophy. Also called: Muscular dystrophy-dystroglycanopathy, type A; Walker-Warburg syndrome. Identifiers: Orphanet 899, MedGen C0265221, MONDO:0000171.
Muscular dystrophy-dystroglycanopathy (congenital with impaired intellectual development), type B, 1. Also called: Muscular dystrophy-dystroglycanopathy (congenital with intellectual disability), type B1; MUSCULAR DYSTROPHY, CONGENITAL, POMT1-RELATED. Identifiers: MedGen C5436962, MONDO:0013159, OMIM 613155.
Autosomal recessive limb-girdle muscular dystrophy type 2K. Also called: MUSCULAR DYSTROPHY-DYSTROGLYCANOPATHY (LIMB-GIRDLE), TYPE C, 1; MUSCULAR DYSTROPHY, LIMB-GIRDLE, TYPE 2K. Identifiers: Orphanet 86812, MedGen C1836373, MONDO:0012248, OMIM 609308.

Allele frequency attached by ClinVar (database versions not stated): ExAC 0.00002; gnomAD 0.00004 and 0.00005; gnomAD exomes 0.00002; 1000 Genomes Project 0.00020; TOPMed 0.00005; 1000 Genomes Project 30x 0.00031.
gnomAD v4.1: 21 of 1,613,174 alleles (0.0013%); highest among the groups gnomAD compares: East Asian, 0.013%; no homozygotes.

Submissions (3):

Labcorp Genetics (formerly Invitae), Labcorp
Classification: Likely benign for Muscular dystrophy-dystroglycanopathy (congenital with impaired intellectual development), type B, 1; Walker-Warburg congenital muscular dystrophy; Autosomal recessive limb-girdle muscular dystrophy type 2K. Last evaluated: 2026-01-12. Review status: criteria provided, single submitter. Criteria: Invitae Variant Classification Sherloc (09022015). Collection method: clinical testing. Allele origin: germline.

GeneDx
Classification: Likely benign. Last evaluated: 2017-06-26. Review status: criteria provided, single submitter. Criteria: GeneDx Variant Classification (06012015). Collection method: clinical testing. Allele origin: germline. Affected: yes.
Comment: This variant is considered likely benign or benign based on one or more of the following criteria: it is a conservative change, it occurs at a poorly conserved position in the protein, it is predicted to be benign by multiple in silico algorithms, and/or has population frequency not consistent with disease.

Eurofins Ntd Llc (ga)
Classification: Uncertain significance. Last evaluated: 2016-01-26. Review status: criteria provided, single submitter. Criteria: EGL Classification Definitions 2015. Collection method: clinical testing. Allele origin: germline. Observed: 1 variant allele, 1 heterozygote.